The following is an entry in ClinVar:

NM_001142864.4(PIEZO1):c.1885T>A (p.Phe629Ile)

Genes: HSALR1 (HSP90AB1 associated lncRNA 1; plus strand), PIEZO1 (piezo type mechanosensitive ion channel component 1 (Er blood group); minus strand). Cytogenetic location: 16q24.3.
Variant type: single nucleotide variant.
Coding change: c.1885T>A on transcript NM_001142864.4 (MANE Select); coding-DNA position 1885, T replaced by A.
Protein change: p.Phe629Ile; replaces phenylalanine 629 with isoleucine.
Molecular consequence: missense variant.
Genome position (GRCh38, 1-based): chr16:88,734,762, A>T on the plus strand (T>A on the coding strand, the complement: PIEZO1 is on the minus strand). VCF-style: chr16-88734762-A-T. GRCh37 (hg19) VCF-style: chr16-88801170-A-T.
Other names: short protein forms F629I.
Identifiers: ClinVar variation 3606120 (VCV003606120.2).

ClinVar aggregate classification (germline): Uncertain significance (1 of 4 stars; one submission).

gnomAD v4.1: 13 of 1,550,174 alleles (0.00084%); highest among the groups gnomAD compares: African/African-American, 0.0014%; no homozygotes.

Submission:

Labcorp Genetics (formerly Invitae), Labcorp
Classification: Uncertain significance. Last evaluated: 2024-11-15. Review status: criteria provided, single submitter. Criteria: Invitae Variant Classification Sherloc (09022015). Collection method: clinical testing. Allele origin: germline.
Comment: This sequence change replaces phenylalanine, which is neutral and non-polar, with isoleucine, which is neutral and non-polar, at codon 629 of the PIEZO1 protein (p.Phe629Ile). This variant is not present in population databases (gnomAD no frequency). This variant has not been reported in the literature in individuals affected with PIEZO1-related conditions. Invitae Evidence Modeling of protein sequence and biophysical properties (such as structural, functional, and spatial information, amino acid conservation, physicochemical variation, residue mobility, and thermodynamic stability) indicates that this missense variant is expected to disrupt PIEZO1 protein function with a positive predictive value of 80%. In summary, the available evidence is currently insufficient to determine the role of this variant in disease. Therefore, it has been classified as a Variant of Uncertain Significance.